The following is an entry in ClinVar:

ClinVar aggregate classification (germline): Benign (0 of 4 stars; one submission).

Conditions:
SEMA7A-related disorder. Also called: SEMA7A-related condition.

Allele frequency attached by ClinVar (database versions not stated): ESP Exome Variant Server 0.39250; TOPMed 0.40586; 1000 Genomes Project 30x 0.49344; 1000 Genomes Project 0.49501.

Submission:

PreventionGenetics, part of Exact Sciences
Classification: Benign for SEMA7A-related condition. Last evaluated: 2019-10-17. Review status: no assertion criteria provided. Collection method: clinical testing. Allele origin: germline.
Comment: This variant is classified as benign based on ACMG/AMP sequence variant interpretation guidelines (Richards et al. 2015 PMID: 25741868, with internal and published modifications).

NM_003612.5(SEMA7A):c.1545A>G (p.Gln515=)

Gene: SEMA7A (semaphorin 7A (JohnMiltonHagen blood group); minus strand). Cytogenetic location: 15q24.1.
Variant type: single nucleotide variant.
Coding change: c.1545A>G on transcript NM_003612.5 (MANE Select); coding-DNA position 1545, A replaced by G.
Protein change: p.Gln515=; no amino-acid change (glutamine 515 retained).
Molecular consequence: synonymous variant.
Genome position (GRCh38, 1-based): chr15:74,411,588, T>C on the plus strand (A>G on the coding strand, the complement: SEMA7A is on the minus strand). VCF-style: chr15-74411588-T-C. GRCh37 (hg19) VCF-style: chr15-74703929-T-C.
Other names: c.1503A>G, p.Gln501= (NM_001146029.3); c.1050A>G, p.Gln350= (NM_001146030.3).
Identifiers: ClinVar variation 3060979 (VCV003060979.2), dbSNP rs741761, ClinGen allele CA7656878.